The following is an entry in ClinVar:

ClinVar aggregate classification (germline): Benign. Review status: criteria provided, multiple submitters, no conflicts (2 of 4 stars). 2 submissions from 2 submitters: Benign (2). Last evaluated 2018-06-16.

Allele frequency attached by ClinVar (database versions not stated): 1000 Genomes Project 30x 0.31996; 1000 Genomes Project 0.32129; TOPMed 0.32735; gnomAD 0.33026 and 0.33597; gnomAD exomes 0.38866.
gnomAD v4.1: 503,571 of 1,319,034 alleles (38%); highest among the groups gnomAD compares: Admixed American, 45%; 98,108 homozygotes.

Submissions (2):

GeneDx
Classification: Benign. Last evaluated: 2018-06-16. Review status: criteria provided, single submitter. Criteria: GeneDx Variant Classification (06012015). Collection method: clinical testing. Allele origin: germline. Affected: yes.
Comment: This variant is considered likely benign or benign based on one or more of the following criteria: it is a conservative change, it occurs at a poorly conserved position in the protein, it is predicted to be benign by multiple in silico algorithms, and/or has population frequency not consistent with disease.

Breakthrough Genomics
Classification: Benign. Review status: criteria provided, single submitter. Criteria: ACMG Guidelines, 2015. Collection method: not provided. Allele origin: germline. Inheritance: Autosomal recessive inheritance. Affected: yes.

NM_018451.5(CPAP):c.445-80G>A

Gene: CPAP (centrosome assembly and centriole elongation protein; minus strand). Cytogenetic location: 13q12.13.
Variant type: single nucleotide variant.
Coding change: c.445-80G>A on transcript NM_018451.5 (MANE Select); 80 bases into the intron before coding-DNA position 445, G replaced by A.
Molecular consequence: intron variant.
Genome position (GRCh38, 1-based): chr13:24,912,149, C>T on the plus strand (G>A on the coding strand, the complement: CPAP is on the minus strand). VCF-style: chr13-24912149-C-T. GRCh37 (hg19) VCF-style: chr13-25486287-C-T.
Identifiers: ClinVar variation 673928 (VCV000673928.2), dbSNP rs2290276, ClinGen allele CA13841385.